The following is an entry in ClinVar:

ClinVar aggregate classification (germline): Uncertain significance (1 of 4 stars; one submission).

gnomAD v4.1: 6 of 1,614,040 alleles (0.00037%); highest among the groups gnomAD compares: Admixed American, 0.01%; no homozygotes.

Submission:

Labcorp Genetics (formerly Invitae), Labcorp
Classification: Uncertain significance. Last evaluated: 2024-08-15. Review status: criteria provided, single submitter. Criteria: Invitae Variant Classification Sherloc (09022015). Collection method: clinical testing. Allele origin: germline.
Comment: This sequence change replaces lysine, which is basic and polar, with glutamine, which is neutral and polar, at codon 220 of the POLD2 protein (p.Lys220Gln). This variant is present in population databases (rs764907925, gnomAD 0.02%). This variant has not been reported in the literature in individuals affected with POLD2-related conditions. An algorithm developed to predict the effect of missense changes on protein structure and function outputs the following: PolyPhen-2: "Not Available". The glutamine amino acid residue is found in multiple mammalian species, which suggests that this missense change does not adversely affect protein function. In summary, the available evidence is currently insufficient to determine the role of this variant in disease. Therefore, it has been classified as a Variant of Uncertain Significance.

NM_006230.4(POLD2):c.553A>C (p.Lys185Gln)

Gene: POLD2 (DNA polymerase delta 2, accessory subunit; minus strand). Cytogenetic location: 7p13.
Variant type: single nucleotide variant.
Coding change: c.553A>C on transcript NM_006230.4 (MANE Select); coding-DNA position 553, A replaced by C.
Protein change: p.Lys185Gln; replaces lysine 185 with glutamine.
Molecular consequence: missense variant.
Genome position (GRCh38, 1-based): chr7:44,117,161, T>G on the plus strand (A>C on the coding strand, the complement: POLD2 is on the minus strand). VCF-style: chr7-44117161-T-G. GRCh37 (hg19) VCF-style: chr7-44156760-T-G.
Other names: c.553A>C, p.Lys185Gln (NM_001127218.3, NM_001256879.2); short protein forms K185Q.
Identifiers: ClinVar variation 3679214 (VCV003679214.2).
Genomic context (GRCh38, chr7:44,117,161, plus strand): 5'-GCTGGTTCCAGCTCCCGAGAACTGCTGCTCACCTATCTGTGTCAAGTGGGGGTGCGGGCT[T>G]CTGGGGAGCAAGGTCAGCAAAGCAATAGTCCTCCACCAGAAACTTCCCGTCGTCTCTCAC-3'
Protein context (NP_006221.3, residues 175-195): DYCFADLAPQ[Lys185Gln]PAPPLDTDRF